The following is an entry in ClinVar:

NM_001323289.2(CDKL5):c.2464del (p.Arg822fs)

Gene: CDKL5 (cyclin dependent kinase like 5; plus strand). Cytogenetic location: Xp22.13.
Variant type: Deletion.
Coding change: c.2464del on transcript NM_001323289.2 (MANE Select); coding-DNA position 2464, one base deleted (C; older notation c.2464delC).
Protein change: p.Arg822fs; shifts the reading frame from arginine 822.
Molecular consequence: frameshift variant.
Genome position (GRCh38, 1-based): chrX:18,625,215, C deleted. VCF-style (leftmost placement, unchanged base first): chrX-18625214-GC-G. GRCh37 (hg19) VCF-style: chrX-18643334-GC-G.
Other names: c.2464del, p.Arg822fs (NM_001037343.2, NM_003159.3); short protein forms R822fs.
Identifiers: ClinVar variation 2947097 (VCV002947097.3), dbSNP rs2518895113, ClinGen allele CA2740092044.

ClinVar aggregate classification (germline): Pathogenic (1 of 4 stars; one submission).

Conditions:
Developmental and epileptic encephalopathy, 2 (DEE2). Also called: INFANTILE SPASM SYNDROME, X-LINKED 2; CDKL5 deficiency disorder. Identifiers: Orphanet 1934, Orphanet 3451, Orphanet 505652, MedGen C4750718, MONDO:0010396, OMIM 300672.
Angelman syndrome-like. Identifiers: MedGen CN128785.

Submission:

Labcorp Genetics (formerly Invitae), Labcorp
Classification: Pathogenic for Developmental and epileptic encephalopathy, 2; Angelman syndrome-like. Last evaluated: 2023-04-25. Review status: criteria provided, single submitter. Criteria: Invitae Variant Classification Sherloc (09022015). Collection method: clinical testing. Allele origin: germline.
Comment: This variant has not been reported in the literature in individuals affected with CDKL5-related conditions. For these reasons, this variant has been classified as Pathogenic. This variant is not present in population databases (gnomAD no frequency). This sequence change creates a premature translational stop signal (p.Arg822Alafs*15) in the CDKL5 gene. It is expected to result in an absent or disrupted protein product. Loss-of-function variants in CDKL5 are known to be pathogenic (PMID: 22872100).

Literature cited by the submitters: PubMed 22872100.